The following is an entry in ClinVar:

NM_002078.5(GOLGA4):c.811G>T (p.Val271Leu)

Gene: GOLGA4 (golgin A4; plus strand). Cytogenetic location: 3p22.2.
Variant type: single nucleotide variant.
Coding change: c.811G>T on transcript NM_002078.5 (MANE Select); coding-DNA position 811, G replaced by T.
Protein change: p.Val271Leu; replaces valine 271 with leucine.
Molecular consequence: missense variant.
Genome position (GRCh38, 1-based): chr3:37,296,216, G>T. VCF-style: chr3-37296216-G-T. GRCh37 (hg19) VCF-style: chr3-37337707-G-T.
Other names: c.877G>T, p.Val293Leu (NM_001172713.3, NM_001410721.2, NM_001429191.1); c.928G>T, p.Val310Leu (NM_001429190.1); c.763G>T, p.Val255Leu (NM_001429193.1); c.829G>T, p.Val277Leu (NM_001429196.1, NM_001429198.1); c.811G>T, p.Val271Leu (NM_001429201.1); c.772G>T, p.Val258Leu (NM_001429202.1); short protein forms V271L, V293L, V255L, V258L, V277L, V310L.
Identifiers: ClinVar variation 3038430 (VCV003038430.2), dbSNP rs184743517, ClinGen allele CA2308883.

ClinVar aggregate classification (germline): Likely benign (0 of 4 stars; one submission).

Conditions:
GOLGA4-related disorder. Also called: GOLGA4-related condition.

Allele frequency attached by ClinVar (database versions not stated): ESP Exome Variant Server 0.00062; ExAC 0.00097; 1000 Genomes Project 0.00100; 1000 Genomes Project 30x 0.00109; gnomAD 0.00114; TOPMed 0.00139.
gnomAD v4.1: 2,375 of 1,614,010 alleles (0.15%); highest among the groups gnomAD compares: Admixed American, 0.32%; 2 homozygotes.

Submission:

PreventionGenetics, part of Exact Sciences
Classification: Likely benign for GOLGA4-related condition. Last evaluated: 2022-02-16. Review status: no assertion criteria provided. Collection method: clinical testing. Allele origin: germline.
Comment: This variant is classified as likely benign based on ACMG/AMP sequence variant interpretation guidelines (Richards et al. 2015 PMID: 25741868, with internal and published modifications).